The following is an entry in ClinVar:

ClinVar aggregate classification (germline): Benign. Review status: criteria provided, multiple submitters, no conflicts (2 of 4 stars). 15 submissions from 14 submitters: Benign (13). 2 of the submissions do not count toward it. Last evaluated 2026-02-04.

Conditions:
Arthrogryposis multiplex congenita 6. Identifiers: MedGen C5543431, MONDO:0030281, OMIM 619334.
Nemaline myopathy 2 (NEM2). Also called: Nemaline myopathy 2, autosomal recessive. Identifiers: MedGen C1850569, MONDO:0009725, OMIM 256030.

Allele frequency attached by ClinVar (database versions not stated): 1000 Genomes Project 30x 0.48923; 1000 Genomes Project 0.49161; ESP Exome Variant Server 0.55387; gnomAD 0.55533 and 0.55659; TOPMed 0.55571; ExAC 0.58301; gnomAD exomes 0.58881 and 0.60843.
gnomAD v4.1: 971,261 of 1,611,460 alleles (60%); highest among the groups gnomAD compares: Admixed American, 71%; 297,798 homozygotes.

Submissions (15):

Labcorp Genetics (formerly Invitae), Labcorp
Classification: Benign for Nemaline myopathy 2. Last evaluated: 2026-02-04. Review status: criteria provided, single submitter. Criteria: Invitae Variant Classification Sherloc (09022015). Collection method: clinical testing. Allele origin: germline.

Blueprint Genetics
Classification: Benign. Last evaluated: 2024-11-26. Review status: criteria provided, single submitter. Criteria: ACMG Guidelines, 2015. Collection method: clinical testing. Allele origin: germline.

Genome-Nilou Lab
Classification: Benign for Arthrogryposis multiplex congenita 6. Last evaluated: 2021-07-10. Review status: criteria provided, single submitter. Criteria: ACMG Guidelines, 2015. Collection method: clinical testing. Allele origin: germline. Affected: no.

Genome-Nilou Lab
Classification: Benign for Nemaline myopathy 2. Last evaluated: 2021-07-10. Review status: criteria provided, single submitter. Criteria: ACMG Guidelines, 2015. Collection method: clinical testing. Allele origin: germline. Affected: no.

Athena Diagnostics
Classification: Benign. Last evaluated: 2019-02-28. Review status: criteria provided, single submitter. Criteria: Athena Diagnostics Criteria. Collection method: clinical testing. Allele origin: germline.

Illumina Laboratory Services, Illumina
Classification: Benign for Nemaline myopathy 2. Last evaluated: 2018-01-12. Review status: criteria provided, single submitter. Criteria: ICSL Variant Classification Criteria 13 December 2019. Collection method: clinical testing. Allele origin: germline.
Comment: This variant was observed in the ICSL laboratory as part of a predisposition screen in an ostensibly healthy population. It had not been previously curated by ICSL or reported in the Human Gene Mutation Database (HGMD: prior to June 1st, 2018), and was therefore a candidate for classification through an automated scoring system. Utilizing variant allele frequency, disease prevalence and penetrance estimates, and inheritance mode, an automated score was calculated to assess if this variant is too frequent to cause the disease. Based on the score and internal cut-off values, a variant classified as benign is not then subjected to further curation. The score for this variant resulted in a classification of benign for this disease.

GeneDx
Classification: Benign. Last evaluated: 2017-11-03. Review status: criteria provided, single submitter. Criteria: GeneDx Variant Classification (06012015). Collection method: clinical testing. Allele origin: germline. Affected: yes.
Comment: This variant is considered likely benign or benign based on one or more of the following criteria: it is a conservative change, it occurs at a poorly conserved position in the protein, it is predicted to be benign by multiple in silico algorithms, and/or has population frequency not consistent with disease.

Mayo Clinic Laboratories, Mayo Clinic
Classification: Benign. Last evaluated: 2017-07-21. Review status: criteria provided, single submitter. Criteria: ACMG Guidelines, 2015. Collection method: clinical testing. Allele origin: germline. Observed: 550 variant alleles.

Women's Health and Genetics/Laboratory Corporation of America, LabCorp
Classification: Benign. Last evaluated: 2017-02-27. Review status: criteria provided, single submitter. Criteria: LabCorp Variant Classification Summary - May 2015. Collection method: clinical testing. Allele origin: germline.
Comment: Variant summary: The NEB c.21690A>G (p.Thr7230Thr) variant involves the alteration of a non-conserved nucleotide, resulting in a synonymous change. One in silico tool predicts a polymorphism outcome for this variant. 5/5 splice prediction tools predict no significant impact on normal splicing. This variant was found in 69172/118646 control chromosomes (20606 homozygotes) at a frequency of 0.5830116, which is approximately 165 times the estimated maximal expected allele frequency of a pathogenic NEB variant (0.0035355), evidence that this variant is a benign polymorphism. Multiple clinical diagnostic laboratories cite the variant as "benign." Taken together, this variant is classified as benign.

Laboratory for Molecular Medicine, Mass General Brigham Personalized Medicine
Classification: Benign. Last evaluated: 2014-11-26. Review status: criteria provided, single submitter. Criteria: LMM Criteria. Collection method: clinical testing. Allele origin: germline. Observed: 12 variant alleles.
Comment: This is a RefSeq error. The reference base (c.21690A) is the minor allele. This allele (A) has been identified in 38% (3158/8354) of European American chromosom es and 59% (2374/4046) of African American chromosomes by the NHLBI Exome Sequen cing Project (dbSNP rs4664475) and thus meets criteria to be classified as benign.

Eurofins Ntd Llc (ga)
Classification: Benign. Last evaluated: 2013-04-05. Review status: criteria provided, single submitter. Criteria: EGL Classification Definitions 2015. Collection method: clinical testing. Allele origin: germline. Observed: 6 variant alleles, 4 heterozygotes, 2 homozygotes.

Breakthrough Genomics
Classification: Benign. Review status: criteria provided, single submitter. Criteria: ACMG Guidelines, 2015. Collection method: not provided. Allele origin: germline. Inheritance: Autosomal recessive inheritance. Affected: yes.

PreventionGenetics, part of Exact Sciences
Classification: Benign. Review status: criteria provided, single submitter. Criteria: ACMG Guidelines, 2015. Collection method: clinical testing. Allele origin: germline.

Natera, Inc.
Classification: Benign for Nemaline myopathy type 2. Last evaluated: 2020-09-16. Review status: no assertion criteria provided. Collection method: clinical testing. Allele origin: germline. Not counted in ClinVar's aggregate classification.

Genetic Services Laboratory, University of Chicago
Classification: Likely benign for AllHighlyPenetrant. Review status: no assertion criteria provided. Collection method: clinical testing. Allele origin: germline. Inheritance: Autosomal recessive inheritance. Not counted in ClinVar's aggregate classification.
Comment: Likely benign based on allele frequency in 1000 Genomes Project or ESP global frequency and its presence in a patient with a rare or unrelated disease phenotype. NOT Sanger confirmed.

NM_001164508.2(NEB):c.21585A>G (p.Thr7195=)

Genes: NEB (nebulin; minus strand), RIF1 (replication timing regulatory factor 1; plus strand). Cytogenetic location: 2q23.3.
Variant type: single nucleotide variant.
Coding change: c.21585A>G on transcript NM_001164508.2 (MANE Select); coding-DNA position 21585, A replaced by G.
Protein change: p.Thr7195=; no amino-acid change (threonine 7195 retained).
Molecular consequence: synonymous variant.
Genome position (GRCh38, 1-based): chr2:151,531,039, T>C on the plus strand (A>G on the coding strand, the complement: NEB is on the minus strand). VCF-style: chr2-151531039-T-C. GRCh37 (hg19) VCF-style: chr2-152387553-T-C.
Other names: p.Thr7230=; c.21585A>G, p.Thr7195= (NM_001164507.2); c.21690A>G, p.Thr7230= (NM_001271208.2); c.16482A>G, p.Thr5494= (NM_004543.5).
Identifiers: ClinVar variation 95114 (VCV000095114.34), dbSNP rs4664475, ClinGen allele CA148208.
Genomic context (GRCh38, chr2:151,531,039, plus strand): 5'-CATTCTAGTACTTACATCACTGACTTCATCTTTAACCTTGCGGACATGCAGCAACATGGG[T>C]GTGTCGTGGATTGTGGTGTAGCCTCTGGGTTTGGCCTTGTTGTATTCCAATTTATAAAGG-3'
Protein context (NP_001157980.2, residues 7185-7205): KPRGYTTIHD[Thr7195=]PMLLHVRKVK